The following is an entry in ClinVar:

NM_017777.4(MKS1):c.949G>T (p.Gly317Ter)

Gene: MKS1 (MKS transition zone complex subunit 1; minus strand). Cytogenetic location: 17q22.
Variant type: single nucleotide variant.
Coding change: c.949G>T on transcript NM_017777.4 (MANE Select); coding-DNA position 949, G replaced by T.
Protein change: p.Gly317Ter; replaces glycine 317 with a stop codon.
Molecular consequence: nonsense.
Genome position (GRCh38, 1-based): chr17:58,210,989, C>A on the plus strand (G>T on the coding strand, the complement: MKS1 is on the minus strand). VCF-style: chr17-58210989-C-A. GRCh37 (hg19) VCF-style: chr17-56288350-C-A.
Other names: c.340G>T, p.Gly114Ter (NM_001321268.2); c.949G>T, p.Gly317Ter (NM_001321269.2, NM_001330397.2, NM_001411113.1); short protein forms G114*, G317*.
Identifiers: ClinVar variation 1724385 (VCV001724385.3), dbSNP rs2509428356, ClinGen allele CA400326114.

ClinVar aggregate classification (germline): Likely pathogenic (1 of 4 stars; one submission).

Conditions:
Ciliopathy. Also called: Ciliopathies. Identifiers: Orphanet 363250, MedGen C4277690, MONDO:0005308, MeSH D000072661.

Submission:

Myriad Genetics, Inc.
Classification: Likely pathogenic for Ciliopathy. Last evaluated: 2022-02-12. Review status: criteria provided, single submitter. Criteria: Myriad Autosomal Dominant, Autosomal Recessive and X-Linked Classification Criteria (2023). Collection method: clinical testing. Allele origin: unknown.
Comment: NM_017777.3(MKS1):c.949G>T(G317*) is expected to be pathogenic in the context of MKS1-related disorders. This variant is predicted to lead to an abnormal or absent protein product due to the creation of a premature termination codon in MKS1, a gene where loss-of-function variants are known to be pathogenic. Please note: this variant was assessed in the context of healthy population screening.